The following is an entry in ClinVar:

ClinVar aggregate classification (germline): Likely benign. Review status: criteria provided, multiple submitters, no conflicts (2 of 4 stars). 3 submissions from 3 submitters: Likely benign (2). 1 of the submissions does not count toward it. Last evaluated 2025-12-23.

Conditions:
ITGA7-related disorder. Also called: ITGA7-related condition.
Congenital muscular dystrophy due to integrin alpha-7 deficiency. Also called: MYOPATHY, CONGENITAL, DUE TO INTEGRIN ALPHA-7 DEFICIENCY; Congenital muscular dystrophy with integrin alpha-7 deficiency; Muscular dystrophy, congenital, due to ITGA7 deficiency. Identifiers: Orphanet 34520, MedGen C2750786, MONDO:0013177, OMIM 613204.

Allele frequency attached by ClinVar (database versions not stated): gnomAD exomes 0.00006; ExAC 0.00010; gnomAD 0.00010 and 0.00011; TOPMed 0.00011; ESP Exome Variant Server 0.00031.
gnomAD v4.1: 143 of 1,611,294 alleles (0.0089%); highest among the groups gnomAD compares: Non-Finnish European, 0.011%; 1 homozygote.

Submissions (3):

Labcorp Genetics (formerly Invitae), Labcorp
Classification: Likely benign for Congenital muscular dystrophy due to integrin alpha-7 deficiency. Last evaluated: 2025-12-23. Review status: criteria provided, single submitter. Criteria: Invitae Variant Classification Sherloc (09022015). Collection method: clinical testing. Allele origin: germline.

CeGaT Center for Human Genetics Tuebingen
Classification: Likely benign. Last evaluated: 2025-06-01. Review status: criteria provided, single submitter. Criteria: CeGaT Center For Human Genetics Tuebingen Variant Classification Criteria Version 2. Collection method: clinical testing. Allele origin: germline. Affected: yes. Observed: 1 variant allele.
Comment: ITGA7: BP4, BP7

PreventionGenetics, part of Exact Sciences
Classification: Likely benign for ITGA7-related condition. Last evaluated: 2019-04-12. Review status: no assertion criteria provided. Collection method: clinical testing. Allele origin: germline. Not counted in ClinVar's aggregate classification.
Comment: This variant is classified as likely benign based on ACMG/AMP sequence variant interpretation guidelines (Richards et al. 2015 PMID: 25741868, with internal and published modifications).

NM_002206.3(ITGA7):c.66G>A (p.Leu22=)

Gene: ITGA7 (integrin subunit alpha 7; minus strand). Cytogenetic location: 12q13.2.
Variant type: single nucleotide variant.
Coding change: c.66G>A on transcript NM_002206.3 (MANE Select); coding-DNA position 66, G replaced by A.
Protein change: p.Leu22=; no amino-acid change (leucine 22 retained).
Molecular consequence: synonymous variant. On other transcripts: 5 prime UTR variant (1), intron variant (3).
Genome position (GRCh38, 1-based): chr12:55,707,617, C>T on the plus strand (G>A on the coding strand, the complement: ITGA7 is on the minus strand). VCF-style: chr12-55707617-C-T. GRCh37 (hg19) VCF-style: chr12-56101401-C-T.
Other names: c.66G>A, p.Leu22= (NM_001144996.2, NM_001374465.1, NM_001410977.1 and 6 more transcripts); c.-1107G>A (NM_001367994.1); c.85+4446G>A (NM_001144997.2); c.-133-4439G>A (NM_001367993.1, NM_001414035.1).
Identifiers: ClinVar variation 538013 (VCV000538013.20), dbSNP rs137962065, ClinGen allele CA6616465.